The following is an entry in ClinVar:

NM_001277115.2(DNAH11):c.5605A>C (p.Thr1869Pro)

Gene: DNAH11 (dynein axonemal heavy chain 11; plus strand). Cytogenetic location: 7p15.3.
Variant type: single nucleotide variant.
Coding change: c.5605A>C on transcript NM_001277115.2 (MANE Select); coding-DNA position 5605, A replaced by C.
Protein change: p.Thr1869Pro; replaces threonine 1869 with proline.
Molecular consequence: missense variant.
Genome position (GRCh38, 1-based): chr7:21,683,928, A>C. VCF-style: chr7-21683928-A-C. GRCh37 (hg19) VCF-style: chr7-21723546-A-C.
Other names: c.5626A>C, p.Thr1876Pro (NM_003777.3); short protein forms T1876P, T1869P.
Identifiers: ClinVar variation 1748592 (VCV001748592.2), dbSNP rs1783253288, ClinGen allele CA366947769.
Genomic context (GRCh38, chr7:21,683,928, plus strand): 5'-TGTGATGCCCAGTTCCAGTACTTCTATGAATACTTAGGAAACAGCCCTCGACTAGTGATC[A>C]CTCCTCTAACTGACAGGTAACAATTCAAAGTTTCCGTCCAGATAGGAAAAACAACCCAAA-3'
Protein context (NP_001264044.1, residues 1859-1879): YLGNSPRLVI[Thr1869Pro]PLTDRCYITL

ClinVar aggregate classification (germline): Uncertain significance (1 of 4 stars; one submission).

Conditions:
Primary ciliary dyskinesia. Also called: Ciliary dyskinesia. Identifiers: Orphanet 244, MedGen C0008780, MONDO:0016575, HP:0012265.

Submission:

Ambry Genetics
Classification: Uncertain significance for Primary ciliary dyskinesia. Last evaluated: 2019-03-18. Review status: criteria provided, single submitter. Criteria: Ambry Variant Classification Scheme 2023. Collection method: clinical testing. Allele origin: germline.
Comment: The p.T1869P variant (also known as c.5605A>C), located in coding exon 32 of the DNAH11 gene, results from an A to C substitution at nucleotide position 5605. The threonine at codon 1869 is replaced by proline, an amino acid with highly similar properties. This amino acid position is highly conserved in available vertebrate species. In addition, the in silico prediction for this alteration is inconclusive. Since supporting evidence is limited at this time, the clinical significance of this alteration remains unclear.